The following is an entry in ClinVar:

ClinVar aggregate classification (germline): Benign. Review status: criteria provided, multiple submitters, no conflicts (2 of 4 stars). 3 submissions from 2 submitters: Benign (3). Last evaluated 2018-01-13.

Conditions:
Hereditary motor and sensory neuropathy with optic atrophy. Also called: PERIPHERAL NEUROPATHY AND OPTIC ATROPHY; CHARCOT-MARIE-TOOTH DISEASE, TYPE 6. Identifiers: Orphanet 90120, MedGen C0393807, MONDO:0019551.
Charcot-Marie-Tooth disease type 2. Also called: Charcot-Marie-Tooth type 2. Identifiers: Orphanet 64746, MedGen C0270914, MONDO:0018993.

Allele frequency attached by ClinVar (database versions not stated): TOPMed 0.53320; 1000 Genomes Project 0.54413; gnomAD 0.55550 and 0.55119; 1000 Genomes Project 30x 0.53998; gnomAD exomes 0.65860.
gnomAD v4.1: 84,459 of 152,252 alleles (55%); highest among the groups gnomAD compares: South Asian, 63%; 24,010 homozygotes.

Submissions (3):

Illumina Laboratory Services, Illumina
Classification: Benign for Charcot-Marie-Tooth disease, type 2. Last evaluated: 2018-01-13. Review status: criteria provided, single submitter. Criteria: ICSL Variant Classification Criteria 13 December 2019. Collection method: clinical testing. Allele origin: germline.
Comment: This variant was observed in the ICSL laboratory as part of a predisposition screen in an ostensibly healthy population. It had not been previously curated by ICSL or reported in the Human Gene Mutation Database (HGMD: prior to June 1st, 2018), and was therefore a candidate for classification through an automated scoring system. Utilizing variant allele frequency, disease prevalence and penetrance estimates, and inheritance mode, an automated score was calculated to assess if this variant is too frequent to cause the disease. Based on the score and internal cut-off values, a variant classified as benign is not then subjected to further curation. The score for this variant resulted in a classification of benign for this disease.

Illumina Laboratory Services, Illumina
Classification: Benign for Neuropathy, hereditary motor and sensory, type 6A. Last evaluated: 2018-01-13. Review status: criteria provided, single submitter. Criteria: ICSL Variant Classification Criteria 13 December 2019. Collection method: clinical testing. Allele origin: germline.
Comment: the same text as in the submission from Illumina Laboratory Services, Illumina above.

Breakthrough Genomics
Classification: Benign. Review status: criteria provided, single submitter. Criteria: ACMG Guidelines, 2015. Collection method: not provided. Allele origin: germline. Inheritance: Autosomal recessive inheritance. Affected: yes.

NM_014874.4(MFN2):c.*896G>C

Gene: MFN2 (mitofusin 2; plus strand). Cytogenetic location: 1p36.22.
Variant type: single nucleotide variant.
Coding change: c.*896G>C on transcript NM_014874.4 (MANE Select); 896 bases downstream of the stop codon, G replaced by C.
Molecular consequence: 3 prime UTR variant.
Genome position (GRCh38, 1-based): chr1:12,012,461, G>C. VCF-style: chr1-12012461-G-C. GRCh37 (hg19) VCF-style: chr1-12072518-G-C.
Other names: c.*896G>C (NM_001127660.2).
Identifiers: ClinVar variation 292393 (VCV000292393.6), dbSNP rs3088064, ClinGen allele CA10608025.